The following is an entry in ClinVar:

ClinVar aggregate classification (germline): Pathogenic (1 of 4 stars; one submission).

Allele frequency attached by ClinVar (database versions not stated): gnomAD exomes below 0.00001.
gnomAD v4.1: 2 of 1,612,894 alleles (0.00012%); highest among the groups gnomAD compares: Non-Finnish European, 0.00017%; no homozygotes.

Submission:

Labcorp Genetics (formerly Invitae), Labcorp
Classification: Pathogenic. Last evaluated: 2022-12-31. Review status: criteria provided, single submitter. Criteria: Invitae Variant Classification Sherloc (09022015). Collection method: clinical testing. Allele origin: germline.
Comment: This sequence change creates a premature translational stop signal (p.Gln33*) in the IL2RB gene. It is expected to result in an absent or disrupted protein product. Loss-of-function variants in IL2RB are known to be pathogenic (PMID: 31040185). This variant is not present in population databases (gnomAD no frequency). This variant has not been reported in the literature in individuals affected with IL2RB-related conditions. For these reasons, this variant has been classified as Pathogenic.

Literature cited by the submitters: PubMed 31040185.

NM_000878.5(IL2RB):c.97C>T (p.Gln33Ter)

Gene: IL2RB (interleukin 2 receptor subunit beta; minus strand). Cytogenetic location: 22q12.3.
Variant type: single nucleotide variant.
Coding change: c.97C>T on transcript NM_000878.5 (MANE Select); coding-DNA position 97, C replaced by T.
Protein change: p.Gln33Ter; replaces glutamine 33 with a stop codon.
Molecular consequence: nonsense.
Genome position (GRCh38, 1-based): chr22:37,143,627, G>A on the plus strand (C>T on the coding strand, the complement: IL2RB is on the minus strand). VCF-style: chr22-37143627-G-A. GRCh37 (hg19) VCF-style: chr22-37539667-G-A.
Other names: c.97C>T, p.Gln33Ter (NM_001346222.1, NM_001346223.2); short protein forms Q33*.
Identifiers: ClinVar variation 2793509 (VCV002793509.3), dbSNP rs2517845076, ClinGen allele CA411429657.